The following is an entry in ClinVar:

ClinVar aggregate classification (germline): Uncertain significance (1 of 4 stars; one submission).

Conditions:
Cardiovascular phenotype. Identifiers: MedGen CN230736.

Submission:

Ambry Genetics
Classification: Uncertain significance for Cardiovascular phenotype. Last evaluated: 2026-04-30. Review status: criteria provided, single submitter. Criteria: Ambry Variant Classification Scheme 2023. Collection method: clinical testing. Allele origin: germline.
Comment: The p.Y301S variant (also known as c.902A>C), located in coding exon 9 of the DMD gene, results from an A to C substitution at nucleotide position 902. The tyrosine at codon 301 is replaced by serine, an amino acid with dissimilar properties. This amino acid position is conserved. In addition, this alteration is predicted to be tolerated by in silico analysis. Based on the available evidence, the clinical significance of this variant remains unclear.

NM_004006.3(DMD):c.902A>C (p.Tyr301Ser)

Gene: DMD (dystrophin; minus strand). Cytogenetic location: Xp21.1.
Variant type: single nucleotide variant.
Coding change: c.902A>C on transcript NM_004006.3 (MANE Select); coding-DNA position 902, A replaced by C.
Protein change: p.Tyr301Ser; replaces tyrosine 301 with serine.
Molecular consequence: missense variant.
Genome position (GRCh38, 1-based): chrX:32,697,928, T>G on the plus strand (A>C on the coding strand, the complement: DMD is on the minus strand). VCF-style: chrX-32697928-T-G. GRCh37 (hg19) VCF-style: chrX-32716045-T-G.
Other names: c.878A>C, p.Tyr293Ser (NM_000109.4); c.890A>C, p.Tyr297Ser (NM_004009.3); c.533A>C, p.Tyr178Ser (NM_004010.3); short protein forms Y178S, Y293S, Y297S, Y301S.
Identifiers: ClinVar variation 4869870 (VCV004869870.1).